The following is an entry in ClinVar:

NM_022575.4(VPS16):c.2377G>A (p.Asp793Asn)

Genes: PTPRA (protein tyrosine phosphatase receptor type A; plus strand), VPS16 (VPS16 core subunit of CORVET and HOPS complexes; plus strand). Cytogenetic location: 20p13.
Variant type: single nucleotide variant.
Coding change: c.2377G>A on transcript NM_022575.4 (MANE Select); coding-DNA position 2377, G replaced by A.
Protein change: p.Asp793Asn; replaces aspartic acid 793 with asparagine.
Molecular consequence: missense variant. On other transcripts: intron variant (1).
Genome position (GRCh38, 1-based): chr20:2,866,431, G>A. VCF-style: chr20-2866431-G-A. GRCh37 (hg19) VCF-style: chr20-2847077-G-A.
Other names: c.1945G>A, p.Asp649Asn (NM_080413.3); c.-129+1114G>A (NM_002836.4); short protein forms D649N, D793N.
Identifiers: ClinVar variation 4687001 (VCV004687001.1).

ClinVar aggregate classification (germline): Uncertain significance (1 of 4 stars; one submission).

gnomAD v4.1: 42 of 1,614,176 alleles (0.0026%); highest among the groups gnomAD compares: African/African-American, 0.045%; no homozygotes.

Submission:

GeneDx
Classification: Uncertain significance. Last evaluated: 2025-07-21. Review status: criteria provided, single submitter. Criteria: GeneDx Variant Classification Process June 2021. Collection method: clinical testing. Allele origin: germline. Affected: yes.
Comment: In silico analysis suggests that this missense variant does not alter protein structure/function; Has not been previously published as pathogenic or benign to our knowledge